The following is an entry in ClinVar:

ClinVar aggregate classification (germline): Uncertain significance (1 of 4 stars; one submission).

Submission:

Labcorp Genetics (formerly Invitae), Labcorp
Classification: Uncertain significance. Last evaluated: 2022-10-27. Review status: criteria provided, single submitter. Criteria: Invitae Variant Classification Sherloc (09022015). Collection method: clinical testing. Allele origin: germline.
Comment: This sequence change replaces isoleucine, which is neutral and non-polar, with lysine, which is basic and polar, at codon 354 of the CD46 protein (p.Ile354Lys). In summary, the available evidence is currently insufficient to determine the role of this variant in disease. Therefore, it has been classified as a Variant of Uncertain Significance. Algorithms developed to predict the effect of sequence changes on RNA splicing suggest that this variant may create or strengthen a splice site. Algorithms developed to predict the effect of missense changes on protein structure and function (SIFT, PolyPhen-2, Align-GVGD) all suggest that this variant is likely to be tolerated. This variant has not been reported in the literature in individuals affected with CD46-related conditions. This variant is not present in population databases (gnomAD no frequency).

NM_172351.3(CD46):c.1016T>A (p.Ile339Lys)

Gene: CD46 (CD46 molecule; plus strand). Cytogenetic location: 1q32.2.
Variant type: single nucleotide variant.
Coding change: c.1016T>A on transcript NM_172351.3 (MANE Select); coding-DNA position 1016, T replaced by A.
Protein change: p.Ile339Lys; replaces isoleucine 339 with lysine.
Molecular consequence: missense variant.
Genome position (GRCh38, 1-based): chr1:207,785,104, T>A. VCF-style: chr1-207785104-T-A. GRCh37 (hg19) VCF-style: chr1-207958449-T-A.
Other names: c.1061T>A, p.Ile354Lys (NM_002389.4, NM_172359.3); c.1016T>A, p.Ile339Lys (NM_153826.4, NM_172358.3); c.971T>A, p.Ile324Lys (NM_172350.3, NM_172352.3, NM_172353.3); c.974T>A, p.Ile325Lys (NM_172355.3, NM_172356.3); c.929T>A, p.Ile310Lys (NM_172357.3, NM_172361.3); short protein forms I310K, I325K, I339K, I324K, I354K.
Identifiers: ClinVar variation 2810072 (VCV002810072.3), dbSNP rs2526743048, ClinGen allele CA344552786.